The following is an entry in ClinVar:

NM_000157.4(GBA1):c.588G>T (p.Lys196Asn)

Genes: GBA1 (glucosylceramidase beta 1; minus strand), LOC106627981 (GBA recombination region; plus strand). Cytogenetic location: 1q22.
Variant type: single nucleotide variant.
Coding change: c.588G>T on transcript NM_000157.4 (MANE Select); coding-DNA position 588, G replaced by T.
Protein change: p.Lys196Asn; replaces lysine 196 with asparagine.
Molecular consequence: missense variant.
Genome position (GRCh38, 1-based): chr1:155,238,517, C>A on the plus strand (G>T on the coding strand, the complement: GBA1 is on the minus strand). VCF-style: chr1-155238517-C-A. GRCh37 (hg19) VCF-style: chr1-155208308-C-A.
Other names: c.588G>T, p.Lys196Asn (NM_001005741.3, NM_001005742.3); c.327G>T, p.Lys109Asn (NM_001171811.2); c.441G>T, p.Lys147Asn (NM_001171812.2); short protein forms K109N, K147N, K196N.
Identifiers: ClinVar variation 2581564 (VCV002581564.1), dbSNP rs78446355, ClinGen allele CA30896398.

ClinVar aggregate classification (germline): Uncertain significance (1 of 4 stars; one submission).

Submission:

Women's Health and Genetics/Laboratory Corporation of America, LabCorp
Classification: Uncertain significance. Last evaluated: 2023-08-08. Review status: criteria provided, single submitter. Criteria: LabCorp Variant Classification Summary - May 2015. Collection method: clinical testing. Allele origin: germline.
Comment: Variant summary: GBA c.588G>T (p.Lys196Asn; aka. K157N) results in a non-conservative amino acid change located in the TIM-barrel domain (IPR033453) of the encoded protein sequence. Five of five in-silico tools predict a damaging effect of the variant on protein function. In addition, this variant affects the last nucleotide of exon 6, therefore can also affect splicing. Several computational tools predict a significant impact on normal splicing: two predict the variant abolishes the 5' splicing donor site, while two predict the variant weakens the 5' donor site. However, these predictions have yet to be confirmed by functional studies. The variant was absent in 236128 control chromosomes (gnomAD). The available data on variant occurrences in the general population are insufficient to allow any conclusion about variant significance. c.588G>T has been reported in literature reviews, and was listed among GBA variants observed in patients affected with Gaucher Disease, however no further details were provided (Beutler_2005, Hruska_2008). These reports do not provide unequivocal conclusions about association of the variant with Gaucher Disease. To our knowledge, no experimental evidence demonstrating an impact on protein function has been reported. The following publications have been ascertained in the context of this evaluation (PMID: 16185900, 18338393). No submitters have cited clinical-significance assessments for this variant to ClinVar after 2014. Based on the evidence outlined above, the variant was classified as uncertain significance.

Literature cited by the submitters: PubMed 18338393; PubMed 16185900.